The following is an entry in ClinVar:

NM_006295.3(VARS1):c.2672A>G (p.Asn891Ser)

Gene: VARS1 (valyl-tRNA synthetase 1; minus strand). Cytogenetic location: 6p21.33.
Variant type: single nucleotide variant.
Coding change: c.2672A>G on transcript NM_006295.3 (MANE Select); coding-DNA position 2672, A replaced by G.
Protein change: p.Asn891Ser; replaces asparagine 891 with serine.
Molecular consequence: missense variant.
Genome position (GRCh38, 1-based): chr6:31,780,916, T>C on the plus strand (A>G on the coding strand, the complement: VARS1 is on the minus strand). VCF-style: chr6-31780916-T-C. GRCh37 (hg19) VCF-style: chr6-31748693-T-C.
Other names: short protein forms N891S.
Identifiers: ClinVar variation 3766303 (VCV003766303.2).

ClinVar aggregate classification (germline): Uncertain significance. Review status: criteria provided, multiple submitters, no conflicts (2 of 4 stars). 2 submissions from 2 submitters: Uncertain significance (2). Last evaluated 2025-05-13.

Conditions:
Inborn genetic diseases. Identifiers: MedGen C0950123, MeSH D030342.

Submissions (2):

Ambry Genetics
Classification: Uncertain significance for Inborn genetic diseases. Last evaluated: 2025-05-13. Review status: criteria provided, single submitter. Criteria: Ambry Variant Classification Scheme 2023. Collection method: clinical testing. Allele origin: germline.

GeneDx
Classification: Uncertain significance. Last evaluated: 2024-08-25. Review status: criteria provided, single submitter. Criteria: GeneDx Variant Classification Process June 2021. Collection method: clinical testing. Allele origin: germline. Affected: yes.
Comment: Not observed at significant frequency in large population cohorts (gnomAD); In silico analysis indicates that this missense variant does not alter protein structure/function; Has not been previously published as pathogenic or benign to our knowledge